The following is an entry in ClinVar:

ClinVar aggregate classification (germline): Likely pathogenic. Review status: criteria provided, multiple submitters, no conflicts (2 of 4 stars). 2 submissions from 2 submitters: Likely pathogenic (2). Last evaluated 2025-07-01.

Conditions:
Autosomal dominant COL2A1-related disorders.

Submissions (2):

CeGaT Center for Human Genetics Tuebingen
Classification: Likely pathogenic. Last evaluated: 2025-07-01. Review status: criteria provided, single submitter. Criteria: CeGaT Center For Human Genetics Tuebingen Variant Classification Criteria Version 2. Collection method: clinical testing. Allele origin: germline. Affected: yes. Observed: 2 variant alleles.
Comment: COL2A1: PM1:Strong, PM2, PS2:Moderate, PP3

Variantyx, Inc.
Classification: Likely pathogenic for Autosomal dominant COL2A1-related disorders. Last evaluated: 2025-05-06. Review status: criteria provided, single submitter. Criteria: Variantyx Assertion Criteria 2022. Collection method: clinical testing. Allele origin: de novo. Inheritance: Autosomal dominant inheritance. Affected: yes.
Comment: This is a nonsynonymous variant in the COL2A1 gene (OMIM: 120140). Pathogenic variants in this gene have been associated with autosomal dominant COL2A1-related disorders. The alteration lies within a known hotspot for pathogenic variants or a well-established critical functional domain of the COL2A1 protein (PMID: 31021589) (PM1), and multiple computational algorithms predict a deleterious effect for this variant (REVEL score: 0.992) (PP3). This variant is absent from control populations (PM2) and it has not been reported in individuals with COL2A1-related disorders in the databases available for review. Based on the current evidence, this variant is classified as likely pathogenic for autosomal dominant COL2A1-related disorders.

Literature cited by the submitters: PubMed 31021589 (cited by Variantyx, Inc.).

NM_001844.5(COL2A1):c.2528G>A (p.Gly843Asp)

Gene: COL2A1 (collagen type II alpha 1 chain; minus strand). Cytogenetic location: 12q13.11.
Variant type: single nucleotide variant.
Coding change: c.2528G>A on transcript NM_001844.5 (MANE Select); coding-DNA position 2528, G replaced by A.
Protein change: p.Gly843Asp; replaces glycine 843 with aspartic acid.
Molecular consequence: missense variant.
Genome position (GRCh38, 1-based): chr12:47,980,651, C>T on the plus strand (G>A on the coding strand, the complement: COL2A1 is on the minus strand). VCF-style: chr12-47980651-C-T. GRCh37 (hg19) VCF-style: chr12-48374434-C-T.
Other names: c.2321G>A, p.Gly774Asp (NM_033150.3); short protein forms G774D, G843D.
Identifiers: ClinVar variation 4085516 (VCV004085516.8).